The following is an entry in ClinVar:

GRCh37/hg19 Xp21.1(chrX:31889200-32216814)x2

Gene: DMD (dystrophin; minus strand). Cytogenetic location: Xp21.1.
Variant type: copy number gain.
Change: copy number 2 of chrX:31,889,200-32,216,814 (327.6 kb, GRCh37 coordinates, 1-based), cytogenetic band Xp21.1.
Identifiers: ClinVar variation 4277355 (VCV004277355.1).

ClinVar aggregate classification (germline): Pathogenic (1 of 4 stars; one submission).

Conditions:
Becker muscular dystrophy (BMD). Also called: MUSCULAR DYSTROPHY, PSEUDOHYPERTROPHIC PROGRESSIVE, BECKER TYPE; Becker Muscular Dystrophy (BMD). Identifiers: Orphanet 98895, MedGen C0917713, MONDO:0010311, OMIM 300376.
Duchenne muscular dystrophy (DMD). Also called: MUSCULAR DYSTROPHY, PSEUDOHYPERTROPHIC PROGRESSIVE, DUCHENNE TYPE; Duchenne Muscular Dystrophy (DMD). Identifiers: Orphanet 98896, MedGen C0013264, MONDO:0010679, OMIM 310200.

Submission:

Hunan Provincial Maternal and Child Health Care Hospital
Classification: Pathogenic for Duchenne muscular dystrophy; Becker muscular dystrophy. Last evaluated: 2024-07-01. Review status: criteria provided, single submitter. Criteria: ACMG/ClinGen CNV Guidelines, 2019. Collection method: clinical testing. Allele origin: maternal. Inheritance: X-linked recessive inheritance.
Comment: This is a copy-number gain at Xp21.1 (GRCh37: g.31889200_32216814dup) involving exons 45–47 of the DMD gene (OMIM: 300377; NM_000109). Duplications of these exons have been reported in patients with Duchenne/Becker muscular dystrophy. Applying ACMG/ClinGen CNV criteria, this CNV is classified as Pathogenic.